The following is an entry in ClinVar:

ClinVar aggregate classification (germline): Uncertain significance (1 of 4 stars; one submission).

Conditions:
Familial thoracic aortic aneurysm and aortic dissection (TAAD). Also called: Thoracic aortic aneurysms and dissections. Identifiers: Orphanet 91387, MedGen C4707243, MONDO:0019625.

Submission:

Ambry Genetics
Classification: Uncertain significance for Familial thoracic aortic aneurysm and aortic dissection. Last evaluated: 2022-01-03. Review status: criteria provided, single submitter. Criteria: Ambry Variant Classification Scheme 2023. Collection method: clinical testing. Allele origin: germline.
Comment: The p.G1017R variant (also known as c.3049G>C), located in coding exon 44 of the COL5A2 gene, results from a G to C substitution at nucleotide position 3049. The glycine at codon 1017 is replaced by arginine, an amino acid with dissimilar properties. Internal structural analysis indicates that this alteration disrupts the characteristic G-X-Y motif of the triple helical domain in the COL5A2 protein and inserts a bulky side chain into a sterically-constrained region (Bella J et al. Science. 1994;266:75-81; Hohenester E et al. Proc. Natl. Acad. Sci.U.S.A. 2008;105:18273-7; Ambry internal data). Glycine substitutions in the triple helical domain of COL5A2 have been reported in association with classic Ehlers-Danlos syndrome (cEDS), but the number of affected individuals is limited and several other COL5A2 glycine substitutions in the triple helical domain (e.g., p.G951E and p.G831A) are too common for disease in population databases (Symoens S et al. Hum. Mutat., 2012 Oct;33:1485-93; Ritelli M et al. Orphanet J Rare Dis. 2013 Apr;8:58). This amino acid position is highly conserved in available vertebrate species. In addition, this alteration is predicted to be deleterious by in silico analysis. Since supporting evidence is limited at this time, the clinical significance of this alteration remains unclear.

NM_000393.5(COL5A2):c.3049G>C (p.Gly1017Arg)

Gene: COL5A2 (collagen type V alpha 2 chain; minus strand). Cytogenetic location: 2q32.2.
Variant type: single nucleotide variant.
Coding change: c.3049G>C on transcript NM_000393.5 (MANE Select); coding-DNA position 3049, G replaced by C.
Protein change: p.Gly1017Arg; replaces glycine 1017 with arginine.
Molecular consequence: missense variant.
Genome position (GRCh38, 1-based): chr2:189,049,445, C>G on the plus strand (G>C on the coding strand, the complement: COL5A2 is on the minus strand). VCF-style: chr2-189049445-C-G. GRCh37 (hg19) VCF-style: chr2-189914171-C-G.
Other names: short protein forms G1017R.
Identifiers: ClinVar variation 1799226 (VCV001799226.2), dbSNP rs2469249895, ClinGen allele CA349865981.